The following is an entry in ClinVar:

ClinVar aggregate classification (germline): Uncertain significance (1 of 4 stars; one submission).

gnomAD v4.1: 5 of 1,613,862 alleles (0.00031%); highest among the groups gnomAD compares: East Asian, 0.0022%; no homozygotes.

Submission:

Ambry Genetics
Classification: Uncertain significance. Last evaluated: 2025-03-08. Review status: criteria provided, single submitter. Criteria: Ambry Variant Classification Scheme 2023. Collection method: clinical testing. Allele origin: germline.
Comment: The p.T275M variant (also known as c.824C>T), located in coding exon 2 of the WNK2 gene, results from a C to T substitution at nucleotide position 824. The threonine at codon 275 is replaced by methionine, an amino acid with similar properties. This amino acid position is conserved. In addition, the in silico prediction for this alteration is inconclusive. Based on the available evidence, the clinical significance of this variant remains unclear.

NM_006648.4(WNK2):c.824C>T (p.Thr275Met)

Gene: WNK2 (WNK lysine deficient protein kinase 2; plus strand). Cytogenetic location: 9q22.31.
Variant type: single nucleotide variant.
Coding change: c.824C>T on transcript NM_006648.4 (MANE Select); coding-DNA position 824, C replaced by T.
Protein change: p.Thr275Met; replaces threonine 275 with methionine.
Molecular consequence: missense variant.
Genome position (GRCh38, 1-based): chr9:93,229,838, C>T. VCF-style: chr9-93229838-C-T. GRCh37 (hg19) VCF-style: chr9-95992120-C-T.
Other names: c.824C>T, p.Thr275Met (NM_001282394.3); short protein forms T275M.
Identifiers: ClinVar variation 3817236 (VCV003817236.1).